The following is an entry in ClinVar:

ClinVar aggregate classification (germline): Likely benign. Review status: criteria provided, multiple submitters, no conflicts (2 of 4 stars). 10 submissions from 10 submitters: Likely benign (7). 3 of the submissions do not count toward it. Last evaluated 2025-12-27.

Conditions:
Hereditary cancer-predisposing syndrome. Also called: Neoplastic Syndromes, Hereditary; Tumor predisposition; Hereditary Cancer Syndrome; Hereditary neoplastic syndrome. Identifiers: Orphanet 140162, MedGen C0027672, MeSH D009386, MONDO:0015356.
Hereditary breast ovarian cancer syndrome. Also called: Breast and ovarian cancer; BRCA1- and BRCA2-Associated Hereditary Breast and Ovarian Cancer; Hereditary breast and ovarian cancer syndrome; Hereditary breast and/or ovarian cancer syndrome; Hereditary breast and ovarian cancer syndrome (HBOC); Hereditary breast and ovarian cancer. Identifiers: Orphanet 145, MedGen C0677776, MeSH D061325, MONDO:0003582. Disease mechanism: loss of function.
Breast-ovarian cancer, familial, susceptibility to, 2 (BROVCA2). Also called: BRCA2 Hereditary Breast and Ovarian Cancer. Identifiers: Orphanet 145, MedGen C2675520, MONDO:0012933, OMIM 612555. Disease mechanism: loss of function.

Allele frequency attached by ClinVar (database versions not stated): gnomAD exomes below 0.00001 and 0.00002; TOPMed below 0.00001; gnomAD 0.00001; ExAC 0.00003.
gnomAD v4.1: 6 of 1,580,020 alleles (0.00038%); highest among the groups gnomAD compares: Admixed American, 0.0033%; no homozygotes.

Submissions (10):

Labcorp Genetics (formerly Invitae), Labcorp
Classification: Likely benign for Hereditary breast ovarian cancer syndrome. Last evaluated: 2025-12-27. Review status: criteria provided, single submitter. Criteria: Invitae Variant Classification Sherloc (09022015). Collection method: clinical testing. Allele origin: germline.

Center for Genomic Medicine, Rigshospitalet, Copenhagen University Hospital
Classification: Likely benign. Last evaluated: 2025-03-04. Review status: criteria provided, single submitter. Criteria: ACMG Guidelines, 2015. Collection method: clinical testing. Allele origin: germline.

Women's Health and Genetics/Laboratory Corporation of America, LabCorp
Classification: Likely benign. Last evaluated: 2024-12-17. Review status: criteria provided, single submitter. Criteria: LabCorp Variant Classification Summary - May 2015. Collection method: clinical testing. Allele origin: germline.
Comment: Variant summary: BRCA2 c.517-11T>C alters a non-conserved nucleotide located at a position not widely known to affect splicing. Consensus agreement among computation tools predict no significant impact on normal splicing (TraP). However, these predictions have yet to be confirmed by functional studies. The variant allele was found at a frequency of 1.6e-05 in 251454 control chromosomes. The available data on variant occurrences in the general population are insufficient to allow any conclusion about variant significance. c.517-11T>C has been reported in the literature in individuals affected with Hereditary Breast And Ovarian Cancer Syndrome. These report(s) do not provide unequivocal conclusions about association of the variant with Hereditary Breast And Ovarian Cancer Syndrome. To our knowledge, no experimental evidence demonstrating an impact on protein function has been reported. The following publications have been ascertained in the context of this evaluation (PMID: 17262179). ClinVar contains an entry for this variant (Variation ID: 51797). Based on the evidence outlined above, the variant was classified as likely benign.

Blueprint Genetics
Classification: Likely benign. Last evaluated: 2024-03-25. Review status: criteria provided, single submitter. Criteria: ACMG Guidelines, 2015. Collection method: clinical testing. Allele origin: germline.

GeneDx
Classification: Likely benign. Last evaluated: 2018-02-07. Review status: criteria provided, single submitter. Criteria: GeneDx Variant Classification (06012015). Collection method: clinical testing. Allele origin: germline. Affected: yes.
Comment: This variant is considered likely benign or benign based on one or more of the following criteria: it is a conservative change, it occurs at a poorly conserved position in the protein, it is predicted to be benign by multiple in silico algorithms, and/or has population frequency not consistent with disease.

Color Diagnostics, LLC DBA Color Health
Classification: Likely benign for Hereditary cancer-predisposing syndrome. Last evaluated: 2017-02-10. Review status: criteria provided, single submitter. Criteria: ACMG Guidelines, 2015. Collection method: clinical testing. Allele origin: germline.

Quest Diagnostics Nichols Institute San Juan Capistrano
Classification: Likely benign. Last evaluated: 2016-04-07. Review status: criteria provided, single submitter. Criteria: Quest Diagnostics criteria. Collection method: clinical testing. Allele origin: unknown.

Counsyl
Classification: Uncertain significance for Breast-ovarian cancer, familial, susceptibility to, 2. Last evaluated: 2016-07-27. Review status: no assertion criteria provided. Collection method: clinical testing. Allele origin: unknown. Not counted in ClinVar's aggregate classification.

Sharing Clinical Reports Project (SCRP)
Classification: Benign for Breast-ovarian cancer, familial 2. Last evaluated: 2012-08-16. Review status: no assertion criteria provided. Collection method: clinical testing. Allele origin: germline. Not counted in ClinVar's aggregate classification.

Breast Cancer Information Core (BIC) (BRCA2)
Classification: Uncertain significance for Breast-ovarian cancer, familial 2. Last evaluated: 2004-02-20. Review status: no assertion criteria provided. Collection method: clinical testing. Allele origin: germline. Affected: yes. Observed: 1 variant allele. Not counted in ClinVar's aggregate classification.

Literature cited by the submitters: PubMed 17262179 (cited by Women's Health and Genetics/Laboratory Corporation of America, LabCorp and Quest Diagnostics Nichols Institute San Juan Capistrano); PubMed 21523855 (cited by 3 submitters).

NM_000059.4(BRCA2):c.517-11T>C

Gene: BRCA2 (BRCA2 DNA repair associated; plus strand). Cytogenetic location: 13q13.1.
Variant type: single nucleotide variant.
Coding change: c.517-11T>C on transcript NM_000059.4 (MANE Select); 11 bases into the intron before coding-DNA position 517, T replaced by C.
Molecular consequence: intron variant.
Genome position (GRCh38, 1-based): chr13:32,326,488, T>C. VCF-style: chr13-32326488-T-C. GRCh37 (hg19) VCF-style: chr13-32900625-T-C.
Other names: IVS6-11T>C.
Identifiers: ClinVar variation 51797 (VCV000051797.19), dbSNP rs81002828, ClinGen allele CA021543.